The following is an entry in ClinVar:

NM_004385.5(VCAN):c.2009C>T (p.Thr670Ile)

Gene: VCAN (versican; plus strand). Cytogenetic location: 5q14.3.
Variant type: single nucleotide variant.
Coding change: c.2009C>T on transcript NM_004385.5 (MANE Select); coding-DNA position 2009, C replaced by T.
Protein change: p.Thr670Ile; replaces threonine 670 with isoleucine.
Molecular consequence: missense variant. On other transcripts: intron variant (2).
Genome position (GRCh38, 1-based): chr5:83,520,315, C>T. VCF-style: chr5-83520315-C-T. GRCh37 (hg19) VCF-style: chr5-82816134-C-T.
Other names: c.2009C>T, p.Thr670Ile (NM_001164098.2); c.1042+7919C>T (NM_001164097.2, NM_001126336.3); short protein forms T670I.
Identifiers: ClinVar variation 1491123 (VCV001491123.8), dbSNP rs1227006850, ClinGen allele CA360302611.

ClinVar aggregate classification (germline): Uncertain significance (1 of 4 stars; one submission).

Allele frequency attached by ClinVar (database versions not stated): gnomAD exomes below 0.00001 and 0.00001.
gnomAD v4.1: 7 of 1,613,816 alleles (0.00043%); highest among the groups gnomAD compares: Middle Eastern, 0.049%; no homozygotes.

Submission:

Labcorp Genetics (formerly Invitae), Labcorp
Classification: Uncertain significance. Last evaluated: 2022-02-10. Review status: criteria provided, single submitter. Criteria: Invitae Variant Classification Sherloc (09022015). Collection method: clinical testing. Allele origin: germline.
Comment: This sequence change replaces threonine, which is neutral and polar, with isoleucine, which is neutral and non-polar, at codon 670 of the VCAN protein (p.Thr670Ile). This variant is present in population databases (no rsID available, gnomAD 0.002%). This variant has not been reported in the literature in individuals affected with VCAN-related conditions. Algorithms developed to predict the effect of missense changes on protein structure and function are either unavailable or do not agree on the potential impact of this missense change (SIFT: "Deleterious"; PolyPhen-2: "Probably Damaging"; Align-GVGD: "Class C15"). In summary, the available evidence is currently insufficient to determine the role of this variant in disease. Therefore, it has been classified as a Variant of Uncertain Significance.